The following is an entry in ClinVar:

NM_003151.4(STAT4):c.1336-5del

Gene: STAT4 (signal transducer and activator of transcription 4; minus strand). Cytogenetic location: 2q32.2.
Variant type: Deletion.
Coding change: c.1336-5del on transcript NM_003151.4 (MANE Select); 5 bases into the intron before coding-DNA position 1336, one base deleted (A; older notation c.1336-5delA).
Molecular consequence: intron variant.
Genome position (GRCh38, 1-based): chr2:191,039,302, T deleted on the plus strand (A on the coding strand, the reverse complement: STAT4 is on the minus strand); the first of 3 consecutive T bases (chr2:191,039,302-191,039,304); deleting any one gives the same sequence. VCF-style (leftmost placement, unchanged base first): chr2-191039301-GT-G. GRCh37 (hg19) VCF-style: chr2-191904027-GT-G.
Other names: c.1336-5del (NM_001243835.2); c.1336-5delA (NM_003151.3).
Identifiers: ClinVar variation 1529762 (VCV001529762.9), dbSNP rs770056176, ClinGen allele CA2030606.

ClinVar aggregate classification (germline): Likely benign. Review status: criteria provided, multiple submitters, no conflicts (2 of 4 stars). 2 submissions from 2 submitters: Likely benign (2). Last evaluated 2025-04-30.

Conditions:
STAT4-related disorder. Also called: STAT4-related condition.

Submissions (2):

PreventionGenetics, part of Exact Sciences
Classification: Likely benign for STAT4-related condition. Last evaluated: 2025-04-30. Review status: criteria provided, single submitter. Criteria: ACMG Guidelines, 2015. Collection method: clinical testing. Allele origin: germline.
Comment: This variant is classified as likely benign based on ACMG/AMP sequence variant interpretation guidelines (Richards et al. 2015 PMID: 25741868, with internal and published modifications).

Labcorp Genetics (formerly Invitae), Labcorp
Classification: Likely benign. Last evaluated: 2024-04-29. Review status: criteria provided, single submitter. Criteria: Invitae Variant Classification Sherloc (09022015). Collection method: clinical testing. Allele origin: germline.